The following is an entry in ClinVar:

ClinVar aggregate classification (germline): Benign/Likely benign. Review status: criteria provided, multiple submitters, no conflicts (2 of 4 stars). 9 submissions from 9 submitters: Benign (1); Likely benign (4). 4 of the submissions do not count toward it. Last evaluated 2026-01-10.

Conditions:
Left ventricular noncompaction 8 (LVNC8). Identifiers: Orphanet 154, Orphanet 54260, MedGen C3809288, MONDO:0014152, OMIM 615373.

Allele frequency attached by ClinVar (database versions not stated): 1000 Genomes Project 0.00020; ExAC 0.00023; gnomAD 0.00030 and 0.00034; 1000 Genomes Project 30x 0.00031; ESP Exome Variant Server 0.00041; TOPMed 0.00044.
gnomAD v4.1: 676 of 1,611,022 alleles (0.042%); highest among the groups gnomAD compares: Non-Finnish European, 0.053%; no homozygotes.

Submissions (9):

Women's Health and Genetics/Laboratory Corporation of America, LabCorp
Classification: Benign. Last evaluated: 2026-01-10. Review status: criteria provided, single submitter. Criteria: LabCorp Variant Classification Summary - May 2015. Collection method: clinical testing. Allele origin: germline.

Labcorp Genetics (formerly Invitae), Labcorp
Classification: Likely benign for Left ventricular noncompaction 8. Last evaluated: 2025-12-22. Review status: criteria provided, single submitter. Criteria: Invitae Variant Classification Sherloc (09022015). Collection method: clinical testing. Allele origin: germline.

Blueprint Genetics
Classification: Likely benign. Last evaluated: 2024-09-20. Review status: criteria provided, single submitter. Criteria: ACMG Guidelines, 2015. Collection method: clinical testing. Allele origin: germline.

CeGaT Center for Human Genetics Tuebingen
Classification: Likely benign. Last evaluated: 2024-09-01. Review status: criteria provided, single submitter. Criteria: CeGaT Center For Human Genetics Tuebingen Variant Classification Criteria Version 2. Collection method: clinical testing. Allele origin: germline. Affected: yes. Observed: 1 variant allele.
Comment: PRDM16: BP4, BP7

GeneDx
Classification: Likely benign. Last evaluated: 2018-02-21. Review status: criteria provided, single submitter. Criteria: GeneDx Variant Classification (06012015). Collection method: clinical testing. Allele origin: germline. Affected: yes.
Comment: This variant is considered likely benign or benign based on one or more of the following criteria: it is a conservative change, it occurs at a poorly conserved position in the protein, it is predicted to be benign by multiple in silico algorithms, and/or has population frequency not consistent with disease.

Clinical Genetics DNA and cytogenetics Diagnostics Lab, Erasmus MC, Erasmus Medical Center
Classification: Likely benign. Review status: no assertion criteria provided. Collection method: clinical testing. Allele origin: germline. Affected: yes. Study: VKGL Data-share Consensus. Not counted in ClinVar's aggregate classification.

Clinical Genetics, Academic Medical Center
Classification: Benign. Review status: no assertion criteria provided. Collection method: clinical testing. Allele origin: germline. Affected: yes. Study: VKGL Data-share Consensus. Not counted in ClinVar's aggregate classification.

Diagnostic Laboratory, Department of Genetics, University Medical Center Groningen
Classification: Likely benign. Review status: no assertion criteria provided. Collection method: clinical testing. Allele origin: germline. Affected: yes. Study: VKGL Data-share Consensus. Not counted in ClinVar's aggregate classification.

Joint Genome Diagnostic Labs from Nijmegen and Maastricht, Radboudumc and MUMC+
Classification: Likely benign. Review status: no assertion criteria provided. Collection method: clinical testing. Allele origin: germline. Affected: yes. Study: VKGL Data-share Consensus. Not counted in ClinVar's aggregate classification.

NM_022114.4(PRDM16):c.1632C>T (p.Asp544=)

Gene: PRDM16 (PR/SET domain 16; plus strand). Cytogenetic location: 1p36.32.
Variant type: single nucleotide variant.
Coding change: c.1632C>T on transcript NM_022114.4 (MANE Select); coding-DNA position 1632, C replaced by T.
Protein change: p.Asp544=; no amino-acid change (aspartic acid 544 retained).
Molecular consequence: synonymous variant.
Genome position (GRCh38, 1-based): chr1:3,411,829, C>T. VCF-style: chr1-3411829-C-T. GRCh37 (hg19) VCF-style: chr1-3328393-C-T.
Other names: c.1632C>T, p.Asp544= (NM_199454.3).
Identifiers: ClinVar variation 241422 (VCV000241422.36), dbSNP rs199499877, ClinGen allele CA544240.
Genomic context (GRCh38, chr1:3,411,829, plus strand): 5'-CCGGCCGCCTCTGCTACCTCCCACATCGCTGCTCAAGAGCCCCCTGAACCACACCCAGGA[C>T]GCCAAGCTCCCCAGTCCCCTGGGGAACCCAGCCCTGCCCCTGGTCTCCGCCGTCAGCAAC-3'
Protein context (NP_071397.3, residues 534-554): LLKSPLNHTQ[Asp544=]AKLPSPLGNP